The following is an entry in ClinVar:

ClinVar aggregate classification (germline): Uncertain significance. Review status: criteria provided, multiple submitters, no conflicts (2 of 4 stars). 2 submissions from 2 submitters: Uncertain significance (2). Last evaluated 2025-01-23.

Conditions:
POLD1-related polyposis and colorectal cancer syndrome (CRCS10). Also called: Colorectal cancer, susceptibility to, 10; Colorectal cancer 10; COLORECTAL CANCER, SUSCEPTIBILITY TO, ON CHROMOSOME 19q. Identifiers: Orphanet 220460, MedGen C2675481, MONDO:0012953, OMIM 612591.
Hereditary cancer-predisposing syndrome. Also called: Neoplastic Syndromes, Hereditary; Tumor predisposition; Hereditary Cancer Syndrome; Hereditary neoplastic syndrome. Identifiers: Orphanet 140162, MedGen C0027672, MeSH D009386, MONDO:0015356.

Allele frequency attached by ClinVar (database versions not stated): gnomAD exomes below 0.00001.
gnomAD v4.1: 2 of 1,597,116 alleles (0.00013%); highest among the groups gnomAD compares: African/African-American, 0.0013%; no homozygotes.

Submissions (2):

Ambry Genetics
Classification: Uncertain significance for Hereditary cancer-predisposing syndrome. Last evaluated: 2025-01-23. Review status: criteria provided, single submitter. Criteria: Ambry Variant Classification Scheme 2023. Collection method: clinical testing. Allele origin: germline.
Comment: The c.2251-3C>T intronic variant results from a C to T substitution 3 nucleotides upstream from coding exon 18 in the POLD1 gene. This nucleotide position is not well conserved in available vertebrate species. In silico splice site analysis predicts that this alteration will not have any significant effect on splicing. Based on the available evidence, the clinical significance of this variant remains unclear.

Labcorp Genetics (formerly Invitae), Labcorp
Classification: Uncertain significance for POLD1-related polyposis and colorectal cancer syndrome. Last evaluated: 2023-09-29. Review status: criteria provided, single submitter. Criteria: Invitae Variant Classification Sherloc (09022015). Collection method: clinical testing. Allele origin: germline.
Comment: In summary, the available evidence is currently insufficient to determine the role of this variant in disease. Therefore, it has been classified as a Variant of Uncertain Significance. Variants that disrupt the consensus splice site are a relatively common cause of aberrant splicing (PMID: 17576681, 9536098). Algorithms developed to predict the effect of sequence changes on RNA splicing suggest that this variant is not likely to affect RNA splicing. ClinVar contains an entry for this variant (Variation ID: 2161865). This variant has not been reported in the literature in individuals affected with POLD1-related conditions. This variant is not present in population databases (gnomAD no frequency). This sequence change falls in intron 18 of the POLD1 gene. It does not directly change the encoded amino acid sequence of the POLD1 protein. It affects a nucleotide within the consensus splice site.

Literature cited by the submitters: PubMed 17576681 (cited by Labcorp Genetics (formerly Invitae), Labcorp); PubMed 9536098 (cited by Labcorp Genetics (formerly Invitae), Labcorp).

NM_002691.4(POLD1):c.2251-3C>T

Gene: POLD1 (DNA polymerase delta 1, catalytic subunit; plus strand). Cytogenetic location: 19q13.33.
Variant type: single nucleotide variant.
Coding change: c.2251-3C>T on transcript NM_002691.4 (MANE Select); 3 bases into the intron before coding-DNA position 2251, C replaced by T.
Molecular consequence: intron variant.
Genome position (GRCh38, 1-based): chr19:50,413,739, C>T. VCF-style: chr19-50413739-C-T. GRCh37 (hg19) VCF-style: chr19-50916996-C-T.
Other names: c.2251-3C>T (NM_001256849.1, NM_002691.2); c.2329-3C>T (NM_001308632.1).
Identifiers: ClinVar variation 2161865 (VCV002161865.5), dbSNP rs1601238463, ClinGen allele CA2340888572.